The following is an entry in ClinVar:

NM_138694.4(PKHD1):c.5380+1G>C

Gene: PKHD1 (PKHD1 ciliary IPT domain containing fibrocystin/polyductin; minus strand). Cytogenetic location: 6p12.2.
Variant type: single nucleotide variant.
Coding change: c.5380+1G>C on transcript NM_138694.4 (MANE Select); the canonical splice donor site of the intron after coding-DNA position 5380, G replaced by C.
Molecular consequence: splice donor variant.
Genome position (GRCh38, 1-based): chr6:52,022,800, C>G on the plus strand (G>C on the coding strand, the complement: PKHD1 is on the minus strand). VCF-style: chr6-52022800-C-G. GRCh37 (hg19) VCF-style: chr6-51887598-C-G.
Other names: c.5380+1G>C (NM_170724.3).
Identifiers: ClinVar variation 2677867 (VCV002677867.3), dbSNP rs1354626305, ClinGen allele CA364427390.
Genomic context (GRCh38, chr6:52,022,800, plus strand): 5'-CCAAAGAATATCATTTCCATATATATGCTTTAAAATATATGTGTGTGGCATCTTTACTCA[C>G]CATCCAGGGGCAGAACCAAGCAGCTGAAGGCAGACACTGTAGCATTAGCCAGGACTCGGC-3'

ClinVar aggregate classification (germline): Likely pathogenic. Review status: criteria provided, multiple submitters, no conflicts (2 of 4 stars). 2 submissions from 2 submitters: Likely pathogenic (2). Last evaluated 2024-01-29.

Conditions:
Polycystic kidney disease 4 (PKD4). Also called: POLYCYSTIC KIDNEY AND HEPATIC DISEASE 1; POLYCYSTIC KIDNEY DISEASE, INFANTILE, TYPE I; PKD3; POLYCYSTIC KIDNEY DISEASE 4 WITH OR WITHOUT POLYCYSTIC LIVER DISEASE; Autosomal Recessive Polycystic Kidney Disease – PKHD1. Identifiers: MedGen C4540575, MONDO:0033004, OMIM 263200.
Autosomal recessive polycystic kidney disease (ARPKD). Also called: AR polycystic kidney disease. Identifiers: Orphanet 731, Orphanet 8378, MedGen C0085548, MeSH D017044, MONDO:0009889.

gnomAD v4.1: 1 of 1,613,966 alleles (0.000062%); highest among the groups gnomAD compares: Non-Finnish European, 0.000085%; no homozygotes.

Submissions (2):

Labcorp Genetics (formerly Invitae), Labcorp
Classification: Likely pathogenic for Autosomal recessive polycystic kidney disease. Last evaluated: 2024-01-29. Review status: criteria provided, single submitter. Criteria: Invitae Variant Classification Sherloc (09022015). Collection method: clinical testing. Allele origin: germline.
Comment: This sequence change affects a donor splice site in intron 33 of the PKHD1 gene. It is expected to disrupt RNA splicing. Variants that disrupt the donor or acceptor splice site typically lead to a loss of protein function (PMID: 16199547), and loss-of-function variants in PKHD1 are known to be pathogenic (PMID: 19940839). This variant is not present in population databases (gnomAD no frequency). This variant has not been reported in the literature in individuals affected with PKHD1-related conditions. Algorithms developed to predict the effect of sequence changes on RNA splicing suggest that this variant may disrupt the consensus splice site. In summary, the currently available evidence indicates that the variant is pathogenic, but additional data are needed to prove that conclusively. Therefore, this variant has been classified as Likely Pathogenic.

Baylor Genetics
Classification: Likely pathogenic for Polycystic kidney disease 4. Last evaluated: 2022-06-15. Review status: criteria provided, single submitter. Criteria: ACMG Guidelines, 2015. Collection method: clinical testing. Allele origin: unknown.

Literature cited by the submitters: PubMed 16199547 (cited by Labcorp Genetics (formerly Invitae), Labcorp); PubMed 19940839 (cited by Labcorp Genetics (formerly Invitae), Labcorp).